The following is an entry in ClinVar:

ClinVar aggregate classification (germline): Uncertain significance (1 of 4 stars; one submission).

Conditions:
Breast-ovarian cancer, familial, susceptibility to, 4. Identifiers: Orphanet 145, MedGen C3280345, MONDO:0013669, OMIM 614291.

Submission:

Labcorp Genetics (formerly Invitae), Labcorp
Classification: Uncertain significance for Breast-ovarian cancer, familial, susceptibility to, 4. Last evaluated: 2024-02-15. Review status: criteria provided, single submitter. Criteria: Invitae Variant Classification Sherloc (09022015). Collection method: clinical testing. Allele origin: germline.
Comment: This sequence change affects codon 246 of the RAD51D mRNA. It is a 'silent' change, meaning that it does not change the encoded amino acid sequence of the RAD51D protein. This variant also falls at the last nucleotide of exon 8, which is part of the consensus splice site for this exon. This variant is not present in population databases (gnomAD no frequency). This variant has not been reported in the literature in individuals affected with RAD51D-related conditions. Variants that disrupt the consensus splice site are a relatively common cause of aberrant splicing (PMID: 17576681, 9536098). Algorithms developed to predict the effect of sequence changes on RNA splicing suggest that this variant may disrupt the consensus splice site. In summary, the available evidence is currently insufficient to determine the role of this variant in disease. Therefore, it has been classified as a Variant of Uncertain Significance.

Literature cited by the submitters: PubMed 17576681; PubMed 9536098.

NM_002878.4(RAD51D):c.738G>C (p.Val246=)

Genes: RAD51L3-RFFL (RAD51L3-RFFL readthrough; minus strand), RAD51D (RAD51 paralog D; minus strand). Cytogenetic location: 17q12.
Variant type: single nucleotide variant.
Coding change: c.738G>C on transcript NM_002878.4 (MANE Select); coding-DNA position 738, G replaced by C.
Protein change: p.Val246=; no amino-acid change (valine 246 retained).
Molecular consequence: synonymous variant. On other transcripts: non-coding transcript variant (3).
Genome position (GRCh38, 1-based): chr17:35,103,254, C>G on the plus strand (G>C on the coding strand, the complement: RAD51D is on the minus strand). VCF-style: chr17-35103254-C-G. GRCh37 (hg19) VCF-style: chr17-33430273-C-G.
Other names: c.798G>C, p.Val266= (NM_001142571.2); c.402G>C, p.Val134= (NM_133629.3).
Identifiers: ClinVar variation 3021788 (VCV003021788.3), dbSNP rs1210620444, ClinGen allele CA499730212.